The following is an entry in ClinVar:

ClinVar aggregate classification (germline): Likely benign (1 of 4 stars; one submission).

gnomAD v4.1: 32 of 1,603,260 alleles (0.002%); highest among the groups gnomAD compares: Non-Finnish European, 0.0026%; no homozygotes.

Submission:

CeGaT Center for Human Genetics Tuebingen
Classification: Likely benign. Last evaluated: 2023-04-01. Review status: criteria provided, single submitter. Criteria: CeGaT Center For Human Genetics Tuebingen Variant Classification Criteria Version 2. Collection method: clinical testing. Allele origin: germline. Affected: yes. Observed: 1 variant allele.
Comment: CACNB4: BP4

NM_000726.5(CACNB4):c.699+15T>G

Gene: CACNB4 (calcium voltage-gated channel auxiliary subunit beta 4; minus strand). Cytogenetic location: 2q23.3.
Variant type: single nucleotide variant.
Coding change: c.699+15T>G on transcript NM_000726.5 (MANE Select); 15 bases into the intron after coding-DNA position 699, T replaced by G.
Molecular consequence: intron variant.
Genome position (GRCh38, 1-based): chr2:151,870,516, A>C on the plus strand (T>G on the coding strand, the complement: CACNB4 is on the minus strand). VCF-style: chr2-151870516-A-C. GRCh37 (hg19) VCF-style: chr2-152727030-A-C.
Other names: c.699+15T>G (NM_001145798.2); c.625+15T>G (NM_001330113.2); c.645+15T>G (NM_001005746.4); c.577+15T>G (NM_001330115.2); c.597+15T>G (NM_001005747.4); c.538+15T>G (NM_001330116.2); c.45+15T>G (NM_001330114.2); c.558+15T>G (NM_001320722.3, NM_001330118.1); and 1 more.
Identifiers: ClinVar variation 2571088 (VCV002571088.27), dbSNP rs779855345, ClinGen allele CA536643028.